The following is an entry in ClinVar:

NM_001261826.3(AP3D1):c.2812A>C (p.Lys938Gln)

Gene: AP3D1 (adaptor related protein complex 3 subunit delta 1; minus strand). Cytogenetic location: 19p13.3.
Variant type: single nucleotide variant.
Coding change: c.2812A>C on transcript NM_001261826.3 (MANE Select); coding-DNA position 2812, A replaced by C.
Protein change: p.Lys938Gln; replaces lysine 938 with glutamine.
Molecular consequence: missense variant.
Genome position (GRCh38, 1-based): chr19:2,111,804, T>G on the plus strand (A>C on the coding strand, the complement: AP3D1 is on the minus strand). VCF-style: chr19-2111804-T-G. GRCh37 (hg19) VCF-style: chr19-2111803-T-G.
Other names: p.Lys938Gln; c.2776A>C, p.Lys926Gln (NM_001374799.1); c.2626A>C, p.Lys876Gln (NM_003938.8); short protein forms K876Q, K926Q, K938Q.
Identifiers: ClinVar variation 739784 (VCV000739784.14), dbSNP rs201127154, ClinGen allele CA9058706.

ClinVar aggregate classification (germline): Conflicting classifications of pathogenicity. Review status: criteria provided, conflicting classifications (1 of 4 stars). 3 submissions from 3 submitters: Uncertain significance (1); Likely benign (1). 1 of the submissions does not count toward it. Last evaluated 2026-02-01.

Conditions:
AP3D1-related disorder. Also called: AP3D1-related condition.

Allele frequency attached by ClinVar (database versions not stated): gnomAD 0.00021 and 0.00035; TOPMed 0.00028; ESP Exome Variant Server 0.00047; gnomAD exomes 0.00054; ExAC 0.00065; 1000 Genomes Project 0.00140; 1000 Genomes Project 30x 0.00141.
gnomAD v4.1: 742 of 1,613,884 alleles (0.046%); highest among the groups gnomAD compares: South Asian, 0.28%; 6 homozygotes.

Submissions (3):

Labcorp Genetics (formerly Invitae), Labcorp
Classification: Likely benign. Last evaluated: 2026-02-01. Review status: criteria provided, single submitter. Criteria: Invitae Variant Classification Sherloc (09022015). Collection method: clinical testing. Allele origin: germline.

Mayo Clinic Laboratories, Mayo Clinic
Classification: Uncertain significance. Last evaluated: 2024-01-04. Review status: criteria provided, single submitter. Criteria: ACMG Guidelines, 2015. Collection method: clinical testing. Allele origin: germline. Observed: 1 variant allele.
Comment: BP4

PreventionGenetics, part of Exact Sciences
Classification: Likely benign for AP3D1-related condition. Last evaluated: 2023-04-17. Review status: no assertion criteria provided. Collection method: clinical testing. Allele origin: germline. Not counted in ClinVar's aggregate classification.
Comment: This variant is classified as likely benign based on ACMG/AMP sequence variant interpretation guidelines (Richards et al. 2015 PMID: 25741868, with internal and published modifications).